The following is an entry in ClinVar:

ClinVar aggregate classification (germline): Pathogenic (1 of 4 stars; one submission).

Submission:

Labcorp Genetics (formerly Invitae), Labcorp
Classification: Pathogenic. Last evaluated: 2025-11-10. Review status: criteria provided, single submitter. Criteria: Invitae Variant Classification Sherloc (09022015). Collection method: clinical testing. Allele origin: germline.
Comment: This sequence change creates a premature translational stop signal (p.Leu524Glnfs*14) in the SLC34A3 gene. While this is not anticipated to result in nonsense mediated decay, it is expected to disrupt the last 76 amino acid(s) of the SLC34A3 protein. This variant is not present in population databases (gnomAD no frequency). This premature translational stop signal has been observed in individual(s) with hypophosphatemic rickets with hypercalciuria and/or renal hypophosphatemia (PMID: 22387237, 31672324). ClinVar contains an entry for this variant (Variation ID: 1413589). This variant disrupts a region of the SLC34A3 protein in which other variant(s) (p.Trp541*, p.Arg547Alafs*41, p.Tyr588*) have been determined to be pathogenic (PMID: 22387237, 29505567, 31440709; internal data). This suggests that this is a clinically significant region of the protein, and that variants that disrupt it are likely to be disease-causing. For these reasons, this variant has been classified as Pathogenic.

Literature cited by the submitters: PubMed 22387237; PubMed 31672324; PubMed 29505567; PubMed 31440709.

NM_001177316.2(SLC34A3):c.1571_*80del (p.Leu524fs)

Genes: SLC34A3 (solute carrier family 34 member 3; plus strand), LOC130003098 (ATAC-STARR-seq lymphoblastoid silent region 20596; plus strand). Cytogenetic location: 9q34.3.
Variant type: Deletion.
Coding change: c.1571_*80del on transcript NM_001177316.2 (MANE Select); coding-DNA position 1571 through 80 bases downstream of the stop codon, 310 bases deleted.
Protein change: p.Leu524fs; shifts the reading frame from leucine 524.
Molecular consequence: frameshift variant.
Genome position (GRCh38, 1-based): chr9:137,236,187-137,236,496, 310 bases deleted. GRCh37 (hg19): chr9:140,130,639-140,130,948.
Other names: c.1571_*80del, p.Leu524fs (NM_001177317.2, NM_080877.3); short protein forms L524fs.
Identifiers: ClinVar variation 1413589 (VCV001413589.7), dbSNP rs2131425047, ClinGen allele CA2573144328.